The following is an entry in ClinVar:

NM_080680.3(COL11A2):c.2612G>C (p.Gly871Ala)

Gene: COL11A2 (collagen type XI alpha 2 chain; minus strand). Cytogenetic location: 6p21.32.
Variant type: single nucleotide variant.
Coding change: c.2612G>C on transcript NM_080680.3 (MANE Select); coding-DNA position 2612, G replaced by C.
Protein change: p.Gly871Ala; replaces glycine 871 with alanine.
Molecular consequence: missense variant.
Genome position (GRCh38, 1-based): chr6:33,173,717, C>G on the plus strand (G>C on the coding strand, the complement: COL11A2 is on the minus strand). VCF-style: chr6-33173717-C-G. GRCh37 (hg19) VCF-style: chr6-33141494-C-G.
Other names: c.2432G>C, p.Gly811Ala (NM_001424108.1); c.1766G>C, p.Gly589Ala (NM_001424109.1); c.1586G>C, p.Gly529Ala (NM_001424110.1, NM_001424111.1); c.566G>C, p.Gly189Ala (NM_001424112.1); c.2291G>C, p.Gly764Ala (NM_080679.3); c.2354G>C, p.Gly785Ala (NM_080681.3); short protein forms G189A, G529A, G589A, G764A, G785A, G811A, G871A.
Identifiers: ClinVar variation 3907560 (VCV003907560.1).

ClinVar aggregate classification (germline): Uncertain significance (1 of 4 stars; one submission).

Submission:

Women's Health and Genetics/Laboratory Corporation of America, LabCorp
Classification: Uncertain significance. Last evaluated: 2025-06-24. Review status: criteria provided, single submitter. Criteria: LabCorp Variant Classification Summary - May 2015. Collection method: clinical testing. Allele origin: germline.
Comment: Variant summary: COL11A2 c.2612G>C (p.Gly871Ala) results in a non-conservative amino acid change in the encoded protein sequence. Algorithms developed to predict the effect of missense changes on protein structure and function all suggest that this variant is likely to be disruptive. The frequency data for this variant in gnomAD is considered unreliable, as metrics indicate poor data quality at this position. To our knowledge, no occurrence of c.2612G>C in individuals affected with COL11A2-Related Disorders and no experimental evidence demonstrating its impact on protein function have been reported. No submitters have cited clinical-significance assessments for this variant to ClinVar. Based on the evidence outlined above, the variant was classified as uncertain significance.